The following is an entry in ClinVar:

NM_021629.4(GNB4):c.96+2T>C

Gene: GNB4 (G protein subunit beta 4; minus strand). Cytogenetic location: 3q26.33.
Variant type: single nucleotide variant.
Coding change: c.96+2T>C on transcript NM_021629.4 (MANE Select); the canonical splice donor site of the intron after coding-DNA position 96, T replaced by C.
Molecular consequence: splice donor variant.
Genome position (GRCh38, 1-based): chr3:179,420,887, A>G on the plus strand (T>C on the coding strand, the complement: GNB4 is on the minus strand). VCF-style: chr3-179420887-A-G. GRCh37 (hg19) VCF-style: chr3-179138675-A-G.
Identifiers: ClinVar variation 1381047 (VCV001381047.6), dbSNP rs2108597364, ClinGen allele CA355471206.

ClinVar aggregate classification (germline): Uncertain significance (1 of 4 stars; one submission).

Conditions:
Charcot-Marie-Tooth disease dominant intermediate F. Identifiers: Orphanet 352670, MedGen C4749463, MONDO:0014074, OMIM 615185.

Allele frequency attached by ClinVar (database versions not stated): gnomAD exomes below 0.00001.
gnomAD v4.1: 1 of 1,580,424 alleles (0.000063%); highest among the groups gnomAD compares: Non-Finnish European, 0.000087%; no homozygotes.

Submission:

Labcorp Genetics (formerly Invitae), Labcorp
Classification: Uncertain significance for Charcot-Marie-Tooth disease dominant intermediate F. Last evaluated: 2021-09-14. Review status: criteria provided, single submitter. Criteria: Invitae Variant Classification Sherloc (09022015). Collection method: clinical testing. Allele origin: germline.
Comment: This variant is not present in population databases (ExAC no frequency). This variant has not been reported in the literature in individuals affected with GNB4-related conditions. Algorithms developed to predict the effect of sequence changes on RNA splicing suggest that this variant may disrupt the consensus splice site. In summary, the available evidence is currently insufficient to determine the role of this variant in disease. Therefore, it has been classified as a Variant of Uncertain Significance. This sequence change affects a donor splice site in intron 3 of the GNB4 gene. It is expected to disrupt RNA splicing. Variants that disrupt the donor or acceptor splice site typically lead to a loss of protein function (PMID: 16199547), however the current clinical and genetic evidence is not sufficient to establish whether loss-of-function variants in GNB4 cause disease.

Literature cited by the submitters: PubMed 16199547.